The following is an entry in ClinVar:

NM_006846.4(SPINK5):c.292G>A (p.Asp98Asn)

Gene: SPINK5 (serine peptidase inhibitor Kazal type 5; plus strand). Cytogenetic location: 5q32.
Variant type: single nucleotide variant.
Coding change: c.292G>A on transcript NM_006846.4 (MANE Select); coding-DNA position 292, G replaced by A.
Protein change: p.Asp98Asn; replaces aspartic acid 98 with asparagine.
Molecular consequence: missense variant.
Genome position (GRCh38, 1-based): chr5:148,086,414, G>A. VCF-style: chr5-148086414-G-A. GRCh37 (hg19) VCF-style: chr5-147465977-G-A.
Other names: c.292G>A, p.Asp98Asn (NM_001127698.2, NM_001127699.2); short protein forms D98N.
Identifiers: ClinVar variation 1350649 (VCV001350649.7), dbSNP rs1753154694, ClinGen allele CA361889826.
Genomic context (GRCh38, chr5:148,086,414, plus strand): 5'-GGACTATTTTGTTTCTTACATTTTGACGTTCCTTGATCATGTCTTTTGCAGCTGAATTGT[G>A]ATGATTTTAAAAAAGGAGAAAGAGATGGGGATTTTATCTGTCCTGATTATTATGAAGCTG-3'
Protein context (NP_006837.2, residues 88-108): KATAPTELNC[Asp98Asn]DFKKGERDGD

ClinVar aggregate classification (germline): Uncertain significance (1 of 4 stars; one submission).

Conditions:
Ichthyosis linearis circumflexa. Identifiers: MedGen C0265962, MONDO:0043106, HP:0025810.

Allele frequency attached by ClinVar (database versions not stated): gnomAD exomes below 0.00001; TOPMed below 0.00001.

Submission:

Labcorp Genetics (formerly Invitae), Labcorp
Classification: Uncertain significance for Ichthyosis linearis circumflexa. Last evaluated: 2022-01-27. Review status: criteria provided, single submitter. Criteria: Invitae Variant Classification Sherloc (09022015). Collection method: clinical testing. Allele origin: germline.
Comment: This sequence change replaces aspartic acid, which is acidic and polar, with asparagine, which is neutral and polar, at codon 98 of the SPINK5 protein (p.Asp98Asn). This variant is not present in population databases (gnomAD no frequency). This variant has not been reported in the literature in individuals affected with SPINK5-related conditions. Algorithms developed to predict the effect of missense changes on protein structure and function output the following: SIFT: "Deleterious"; PolyPhen-2: "Benign"; Align-GVGD: "Class C0". The asparagine amino acid residue is found in multiple mammalian species, which suggests that this missense change does not adversely affect protein function. In summary, the available evidence is currently insufficient to determine the role of this variant in disease. Therefore, it has been classified as a Variant of Uncertain Significance.